The following is an entry in ClinVar:

NM_014314.4(RIGI):c.897G>C (p.Gln299His)

Gene: RIGI (RNA sensor RIG-I; minus strand). Cytogenetic location: 9p21.1.
Variant type: single nucleotide variant.
Coding change: c.897G>C on transcript NM_014314.4 (MANE Select); coding-DNA position 897, G replaced by C.
Protein change: p.Gln299His; replaces glutamine 299 with histidine.
Molecular consequence: missense variant.
Genome position (GRCh38, 1-based): chr9:32,488,790, C>G on the plus strand (G>C on the coding strand, the complement: RIGI is on the minus strand). VCF-style: chr9-32488790-C-G. GRCh37 (hg19) VCF-style: chr9-32488788-C-G.
Other names: c.897G>C, p.Gln299His (NM_001385907.1, NM_001385909.1); c.456G>C, p.Gln152His (NM_001385910.1); c.288G>C, p.Gln96His (NM_001385912.1); c.882G>C, p.Gln294His (NM_001385913.1); c.453G>C, p.Gln151His (NM_001385914.1); short protein forms Q152H, Q294H, Q299H, Q96H, Q151H.
Identifiers: ClinVar variation 2790836 (VCV002790836.3), dbSNP rs767187831, ClinGen allele CA5019963.

ClinVar aggregate classification (germline): Uncertain significance (1 of 4 stars; one submission).

Allele frequency attached by ClinVar (database versions not stated): ExAC 0.00001.
gnomAD v4.1: 1 of 1,613,324 alleles (0.000062%); highest among the groups gnomAD compares: East Asian, 0.0022%; no homozygotes.

Submission:

Labcorp Genetics (formerly Invitae), Labcorp
Classification: Uncertain significance. Last evaluated: 2023-12-02. Review status: criteria provided, single submitter. Criteria: Invitae Variant Classification Sherloc (09022015). Collection method: clinical testing. Allele origin: germline.
Comment: This sequence change replaces glutamine, which is neutral and polar, with histidine, which is basic and polar, at codon 299 of the DDX58 protein (p.Gln299His). This variant is present in population databases (rs767187831, gnomAD 0.006%). This variant has not been reported in the literature in individuals affected with DDX58-related conditions. Advanced modeling of protein sequence and biophysical properties (such as structural, functional, and spatial information, amino acid conservation, physicochemical variation, residue mobility, and thermodynamic stability) performed at Invitae indicates that this missense variant is not expected to disrupt DDX58 protein function with a negative predictive value of 80%. In summary, the available evidence is currently insufficient to determine the role of this variant in disease. Therefore, it has been classified as a Variant of Uncertain Significance.